The following is an entry in ClinVar:

ClinVar aggregate classification (germline): Pathogenic/Likely pathogenic. Review status: criteria provided, multiple submitters, no conflicts (2 of 4 stars). 13 submissions from 13 submitters: Pathogenic (3); Likely pathogenic (8). 2 of the submissions do not count toward it. Last evaluated 2026-06-18.

Conditions:
TULP1-related disorder. Also called: TULP1-related condition; TULP1-related disorders.
Retinal dystrophy. Also called: Inherited retinal dystrophy. Identifiers: Orphanet 71862, MedGen C0854723, MeSH D058499, MONDO:0019118, HP:0000556.
Retinitis pigmentosa 14 (RP14). Also called: RETINITIS PIGMENTOSA, JUVENILE, TULP1-RELATED. Identifiers: Orphanet 791, MedGen C1838603, MONDO:0010827, OMIM 600132.
Leber congenital amaurosis 15 (LCA15). Identifiers: Orphanet 65, MedGen C3151206, MONDO:0013457, OMIM 613843.
Retinitis pigmentosa (RP). Identifiers: Orphanet 791, MedGen C0035334, MeSH D012174, MONDO:0019200, OMIM 268000. Inheritance: Autosomal dominant, autosomal recessive and X linked inheritance.
Leber congenital amaurosis (LCA). Also called: Leber's amaurosis. Identifiers: Orphanet 65, MedGen C0339527, MeSH D057130, MONDO:0018998.

Allele frequency attached by ClinVar (database versions not stated): gnomAD 0.00010 and 0.00011; TOPMed 0.00012; ESP Exome Variant Server 0.00015; ExAC 0.00009; gnomAD exomes 0.00009 and 0.00016.

Submissions (13):

PreventionGenetics, part of Exact Sciences
Classification: Likely pathogenic for TULP1-related condition. Last evaluated: 2026-06-18. Review status: criteria provided, single submitter. Criteria: ACMG Guidelines, 2015. Collection method: clinical testing. Allele origin: germline.
Comment: The TULP1 c.1496-6C>A variant is predicted to interfere with splicing. This variant has been frequently reported in individuals with autosomal recessive Leber congenital amaurosis or retinal disease (for example, Table S4, Jespersgaard et al. 2019. PubMed ID: 30718709; Bernardis et al. 2016. PubMed ID: 28127548; Weisschuh et al. 2016. PubMed ID: 26766544).  This variant has been shown to result in abarrent splicing using a minigene assay (Bodenbender et al. 2023. PubMed ID: 36769033). Taken together, we interpret this variant as likely pathogenic.

Labcorp Genetics (formerly Invitae), Labcorp
Classification: Pathogenic. Last evaluated: 2025-12-31. Review status: criteria provided, single submitter. Criteria: Invitae Variant Classification Sherloc (09022015). Collection method: clinical testing. Allele origin: germline.
Comment: This sequence change falls in intron 14 of the TULP1 gene. It does not directly change the encoded amino acid sequence of the TULP1 protein. This variant is present in population databases (rs281865171, gnomAD 0.02%). This variant has been observed in individual(s) with retinitis pigmentosa or cone-rod dystrophy (PMID: 9660588, 26766544, 28127548, 28981474). In at least one individual the data is consistent with being in trans (on the opposite chromosome) from a pathogenic variant. ClinVar contains an entry for this variant (Variation ID: 99666). Algorithms developed to predict the effect of sequence changes on RNA splicing suggest that this variant may disrupt the consensus splice site. For these reasons, this variant has been classified as Pathogenic.

3billion
Classification: Likely pathogenic for Retinitis pigmentosa 14. Last evaluated: 2025-01-23. Review status: criteria provided, single submitter. Criteria: ACMG Guidelines, 2015. Collection method: clinical testing. Allele origin: germline. Affected: yes.
Comment: The variant is observed at an extremely low frequency in the gnomAD v4.1.0 dataset (total allele frequency: 0.016%). Predicted Consequence/Location: Intron variant In silico tools predict the variant to alter splicing and produce an abnormal transcript [SpliceAI: 0.23 (>=0.2, moderate evidence for spliceogenicity)]. The variant has been reported at least twice as pathogenic with clinical assertions and evidence for the classification (ClinVar ID: VCV000099666). Therefore, this variant is classified as Likely pathogenic according to the recommendation of ACMG/AMP guideline.

Women's Health and Genetics/Laboratory Corporation of America, LabCorp
Classification: Pathogenic for Leber congenital amaurosis. Last evaluated: 2024-10-14. Review status: criteria provided, single submitter. Criteria: LabCorp Variant Classification Summary - May 2015. Collection method: clinical testing. Allele origin: germline.
Comment: Variant summary: TULP1 c.1496-6C>A alters a nucleotide located close to a canonical splice site and therefore could affect mRNA splicing, leading to a significantly altered protein sequence. One computational tool predict a significant impact on normal splicing by abolishing a 3 prime acceptor site, while three predict the variant no significant impact on splicing. However, these predictions have yet to be confirmed by functional studies. The variant allele was found at a frequency of 8.8e-05 in 248766 control chromosomes. This frequency is not significantly higher than estimated for a pathogenic variant in TULP1 causing Leber Congenital Amaurosis (8.8e-05 vs 0.0005), allowing no conclusion about variant significance. c.1496-6C>A has been reported in the literature in multiple individuals affected with Retinitis pigmentosa or retinal degeneration (examples: Gu_1998, Weisschuh_2020). These data indicate that the variant is very likely to be associated with disease. The following publications have been ascertained in the context of this evaluation (PMID: 9660588, 32531858). ClinVar contains an entry for this variant (Variation ID: 99666). Based on the evidence outlined above, the variant was classified as pathogenic.

Fulgent Genetics
Classification: Likely pathogenic for Retinitis pigmentosa 14; Leber congenital amaurosis 15. Last evaluated: 2024-05-29. Review status: criteria provided, single submitter. Criteria: ACMG Guidelines, 2015. Collection method: clinical testing. Allele origin: germline.

Blueprint Genetics
Classification: Pathogenic for TULP1-related disorders. Last evaluated: 2024-05-16. Review status: criteria provided, single submitter. Criteria: ACMG Guidelines, 2015. Collection method: clinical testing. Allele origin: germline. Affected: yes. Observed: 5 variant alleles.

Ocular Genomics Institute, Massachusetts Eye and Ear
Classification: Likely pathogenic for Retinitis pigmentosa 14. Last evaluated: 2021-04-08. Review status: criteria provided, single submitter. Criteria: ACMG Guidelines, 2015. Collection method: research. Allele origin: germline. Affected: yes.
Comment: Through a review of available evidence we were able to apply the following criteria: PS1, PM2, PM3, PP3. Based on this evidence we have classified this variant as Likely Pathogenic.

Broad Center for Mendelian Genomics, Broad Institute of MIT and Harvard
Classification: Likely pathogenic for Retinitis pigmentosa. Last evaluated: 2021-04-01. Review status: criteria provided, single submitter. Criteria: ACMG Guidelines, 2015. Collection method: curation. Allele origin: germline. Inheritance: Autosomal recessive inheritance. Affected: yes.
Comment: Through a review of available evidence we were able to apply the following criteria: PS1, PM2, PM3, PP3. Based on this evidence we have classified this variant as Likely Pathogenic. If you have any questions about the classification please reach out to the Pierce Lab.

CeGaT Center for Human Genetics Tuebingen
Classification: Likely pathogenic. Last evaluated: 2018-11-01. Review status: criteria provided, single submitter. Criteria: CeGaT Center For Human Genetics Tuebingen Variant Classification Criteria Version 2. Collection method: clinical testing. Allele origin: germline. Affected: yes. Observed: 3 variant alleles.

Institute of Human Genetics, Univ. Regensburg, Univ. Regensburg
Classification: Likely pathogenic for Retinal dystrophy. Last evaluated: 2018-01-01. Review status: criteria provided, single submitter. Criteria: ACMG Guidelines, 2015. Collection method: clinical testing. Allele origin: germline. Affected: yes.

Eurofins Ntd Llc (ga)
Classification: Likely pathogenic. Last evaluated: 2015-12-02. Review status: criteria provided, single submitter. Criteria: EGL Classification Definitions 2015. Collection method: clinical testing. Allele origin: germline. Observed: 2 variant alleles, 2 heterozygotes.

Department of Clinical Genetics, Copenhagen University Hospital, Rigshospitalet
Classification: Uncertain significance for Retinitis pigmentosa. Last evaluated: 2018-04-01. Review status: no assertion criteria provided. Collection method: research. Allele origin: unknown. Affected: yes. Study: VeluxRD. Not counted in ClinVar's aggregate classification.

Retina International
No classification provided. Review status: no classification provided. Collection method: not provided. Allele origin: not provided. Not counted in ClinVar's aggregate classification.

Literature cited by the submitters: PubMed 9660588 (cited by 6 submitters); PubMed 26766544 (cited by Labcorp Genetics (formerly Invitae), Labcorp); PubMed 28127548 (cited by Labcorp Genetics (formerly Invitae), Labcorp); PubMed 28981474 (cited by 4 submitters); PubMed 32531858 (cited by Women's Health and Genetics/Laboratory Corporation of America, LabCorp and Institute of Human Genetics, Univ. Regensburg, Univ. Regensburg); PubMed 9462750 (cited by 3 submitters); PubMed 34906470 (cited by Broad Center for Mendelian Genomics, Broad Institute of MIT and Harvard); PubMed 31964843 (cited by Institute of Human Genetics, Univ. Regensburg, Univ. Regensburg); PubMed 32581362 (cited by Institute of Human Genetics, Univ. Regensburg, Univ. Regensburg); PubMed 32037395 (cited by Institute of Human Genetics, Univ. Regensburg, Univ. Regensburg); PubMed 33576794 (cited by Institute of Human Genetics, Univ. Regensburg, Univ. Regensburg); PubMed 36819107 (cited by Institute of Human Genetics, Univ. Regensburg, Univ. Regensburg); PubMed 30718709 (cited by Department of Clinical Genetics, Copenhagen University Hospital, Rigshospitalet).

NM_003322.6(TULP1):c.1496-6C>A

Gene: TULP1 (TUB like protein 1; minus strand). Cytogenetic location: 6p21.31.
Variant type: single nucleotide variant.
Coding change: c.1496-6C>A on transcript NM_003322.6 (MANE Select); 6 bases into the intron before coding-DNA position 1496, C replaced by A.
Molecular consequence: intron variant.
Genome position (GRCh38, 1-based): chr6:35,498,466, G>T on the plus strand (C>A on the coding strand, the complement: TULP1 is on the minus strand). VCF-style: chr6-35498466-G-T. GRCh37 (hg19) VCF-style: chr6-35466243-G-T.
Other names: c.1337-6C>A (NM_001289395.2).
Identifiers: ClinVar variation 99666 (VCV000099666.64), dbSNP rs281865171, ClinGen allele CA227709.